The following is an entry in ClinVar:

NM_016247.4(IMPG2):c.3239G>A (p.Arg1080Gln)

Gene: IMPG2 (interphotoreceptor matrix proteoglycan 2; minus strand). Cytogenetic location: 3q12.3.
Variant type: single nucleotide variant.
Coding change: c.3239G>A on transcript NM_016247.4 (MANE Select); coding-DNA position 3239, G replaced by A.
Protein change: p.Arg1080Gln; replaces arginine 1080 with glutamine.
Molecular consequence: missense variant.
Genome position (GRCh38, 1-based): chr3:101,231,140, C>T on the plus strand (G>A on the coding strand, the complement: IMPG2 is on the minus strand). VCF-style: chr3-101231140-C-T. GRCh37 (hg19) VCF-style: chr3-100949984-C-T.
Other names: short protein forms R1080Q.
Identifiers: ClinVar variation 943704 (VCV000943704.6), dbSNP rs777459431, ClinGen allele CA2518798.

ClinVar aggregate classification (germline): Uncertain significance. Review status: criteria provided, multiple submitters, no conflicts (2 of 4 stars). 3 submissions from 3 submitters: Uncertain significance (3). Last evaluated 2024-04-09.

Conditions:
Inborn genetic diseases. Identifiers: MedGen C0950123, MeSH D030342.

Allele frequency attached by ClinVar (database versions not stated): gnomAD exomes 0.00002 and 0.00007; ExAC 0.00003; TOPMed 0.00011; gnomAD 0.00019.
gnomAD v4.1: 62 of 1,613,886 alleles (0.0038%); highest among the groups gnomAD compares: Admixed American, 0.062%; 1 homozygote.

Submissions (3):

GeneDx
Classification: Uncertain significance. Last evaluated: 2024-04-09. Review status: criteria provided, single submitter. Criteria: GeneDx Variant Classification Process June 2021. Collection method: clinical testing. Allele origin: germline. Affected: yes.
Comment: In silico analysis indicates that this missense variant does not alter protein structure/function; Has not been previously published as pathogenic or benign to our knowledge

Ambry Genetics
Classification: Uncertain significance for Inborn genetic diseases. Last evaluated: 2024-01-03. Review status: criteria provided, single submitter. Criteria: Ambry Variant Classification Scheme 2023. Collection method: clinical testing. Allele origin: germline.

Labcorp Genetics (formerly Invitae), Labcorp
Classification: Uncertain significance. Last evaluated: 2022-10-13. Review status: criteria provided, single submitter. Criteria: Invitae Variant Classification Sherloc (09022015). Collection method: clinical testing. Allele origin: germline.
Comment: This sequence change replaces arginine, which is basic and polar, with glutamine, which is neutral and polar, at codon 1080 of the IMPG2 protein (p.Arg1080Gln). This variant is present in population databases (rs777459431, gnomAD 0.04%). This missense change has been observed in individual(s) with retinitis pigmentosa (Invitae). ClinVar contains an entry for this variant (Variation ID: 943704). Advanced modeling of protein sequence and biophysical properties (such as structural, functional, and spatial information, amino acid conservation, physicochemical variation, residue mobility, and thermodynamic stability) performed at Invitae indicates that this missense variant is expected to disrupt IMPG2 protein function. In summary, the available evidence is currently insufficient to determine the role of this variant in disease. Therefore, it has been classified as a Variant of Uncertain Significance.